The following is an entry in ClinVar:

NM_006270.5(RRAS):c.631G>A (p.Gly211Arg)

Gene: RRAS (RAS related; minus strand). Cytogenetic location: 19q13.33.
Variant type: single nucleotide variant.
Coding change: c.631G>A on transcript NM_006270.5 (MANE Select); coding-DNA position 631, G replaced by A.
Protein change: p.Gly211Arg; replaces glycine 211 with arginine.
Molecular consequence: missense variant.
Genome position (GRCh38, 1-based): chr19:49,635,602, C>T on the plus strand (G>A on the coding strand, the complement: RRAS is on the minus strand). VCF-style: chr19-49635602-C-T. GRCh37 (hg19) VCF-style: chr19-50138859-C-T.
Other names: c.631G>A (NM_006270.3); short protein forms G211R.
Identifiers: ClinVar variation 582576 (VCV000582576.12), dbSNP rs369588682, ClinGen allele CA9578927.

ClinVar aggregate classification (germline): Uncertain significance. Review status: criteria provided, multiple submitters, no conflicts (2 of 4 stars). 3 submissions from 3 submitters: Uncertain significance (3). Last evaluated 2026-01-18.

Conditions:
Noonan syndrome (NS). Also called: Noonan's syndrome. Identifiers: Orphanet 648, MedGen C0028326, MeSH D009634, MONDO:0018997. Disease mechanism: gain of function.

Allele frequency attached by ClinVar (database versions not stated): ExAC 0.00006; gnomAD exomes 0.00006 and 0.00007; ESP Exome Variant Server 0.00008; gnomAD 0.00010 and 0.00011; TOPMed 0.00012.

Submissions (3):

Labcorp Genetics (formerly Invitae), Labcorp
Classification: Uncertain significance for Noonan syndrome. Last evaluated: 2026-01-18. Review status: criteria provided, single submitter. Criteria: Invitae Variant Classification Sherloc (09022015). Collection method: clinical testing. Allele origin: germline.
Comment: This sequence change replaces glycine, which is neutral and non-polar, with arginine, which is basic and polar, at codon 211 of the RRAS protein (p.Gly211Arg). This variant is present in population databases (rs369588682, gnomAD 0.02%). This variant has not been reported in the literature in individuals affected with RRAS-related conditions. ClinVar contains an entry for this variant (Variation ID: 582576). An algorithm developed to predict the effect of missense changes on protein structure and function outputs the following: PolyPhen-2: "Benign". The arginine amino acid residue is found in multiple mammalian species, which suggests that this missense change does not adversely affect protein function. In summary, the available evidence is currently insufficient to determine the role of this variant in disease. Therefore, it has been classified as a Variant of Uncertain Significance.

Ambry Genetics
Classification: Uncertain significance. Last evaluated: 2024-05-10. Review status: criteria provided, single submitter. Criteria: Ambry Variant Classification Scheme 2023. Collection method: clinical testing. Allele origin: germline.

Women's Health and Genetics/Laboratory Corporation of America, LabCorp
Classification: Uncertain significance. Last evaluated: 2022-08-06. Review status: criteria provided, single submitter. Criteria: LabCorp Variant Classification Summary - May 2015. Collection method: clinical testing. Allele origin: germline.